The following is an entry in ClinVar:

ClinVar aggregate classification (germline): Benign/Likely benign. Review status: criteria provided, multiple submitters, no conflicts (2 of 4 stars). 18 submissions from 16 submitters: Benign (7); Likely benign (5). 6 of the submissions do not count toward it. Last evaluated 2026-09-01.

Conditions:
Distal spinal muscular atrophy. Also called: Distal hereditary motor neuronopathy; Distal hereditary motor neuropathy. Identifiers: Orphanet 53739, MedGen C0393541, MONDO:0018894.
GARS1-related disorder. Also called: GARS1-related condition.
Charcot-Marie-Tooth disease. Also called: Charcot-Marie-Tooth Hereditary Neuropathy; Charcot-Marie-Tooth Neuropathy. Identifiers: Orphanet 166, MedGen C0007959, MONDO:0015626.
Charcot-Marie-Tooth disease type 2. Also called: Charcot-Marie-Tooth type 2. Identifiers: Orphanet 64746, MedGen C0270914, MONDO:0018993.
Charcot-Marie-Tooth disease type 2D (CMT2D). Also called: GARS1 Adolescent- or Early Adult-Onset Hereditary Motor/Sensory Neuropathy (GARS1-HMSN); Charcot-Marie-Tooth Neuropathy Type 2D; CHARCOT-MARIE-TOOTH DISEASE, NEURONAL, TYPE 2D; CHARCOT-MARIE-TOOTH DISEASE, AXONAL, TYPE 2D. Identifiers: Orphanet 99938, MedGen C1832274, MONDO:0011091, OMIM 601472.
Neuronopathy, distal hereditary motor, type 5A (HMND5). Also called: NEURONOPATHY, DISTAL HEREDITARY MOTOR, AUTOSOMAL DOMINANT 5; DHMN VA; Distal Spinal Muscular Atrophy V; Distal Spinal Muscular Atrophy V (dSMA-V). Identifiers: Orphanet 139536, MedGen CN031873, MONDO:0015353, OMIM 600794.

Allele frequency attached by ClinVar (database versions not stated): 1000 Genomes Project 0.00120; 1000 Genomes Project 30x 0.00125; ExAC 0.00317; TOPMed 0.00342; gnomAD exomes 0.00344 and 0.00395; gnomAD 0.00346 and 0.00357; ESP Exome Variant Server 0.00483.
gnomAD v4.1: 6,341 of 1,613,140 alleles (0.39%); highest among the groups gnomAD compares: Middle Eastern, 0.76%; 21 homozygotes.

Submissions (18):

CeGaT Center for Human Genetics Tuebingen
Classification: Likely benign. Last evaluated: 2026-09-01. Review status: criteria provided, single submitter. Criteria: CeGaT Center For Human Genetics Tuebingen Variant Classification Criteria Version 2. Collection method: clinical testing. Allele origin: germline. Affected: yes. Observed: 53 variant alleles.
Comment: GARS1: BS2

Labcorp Genetics (formerly Invitae), Labcorp
Classification: Benign for Charcot-Marie-Tooth disease type 2. Last evaluated: 2026-02-02. Review status: criteria provided, single submitter. Criteria: Invitae Variant Classification Sherloc (09022015). Collection method: clinical testing. Allele origin: germline.

ARUP Laboratories, Molecular Genetics and Genomics, ARUP Laboratories
Classification: Benign. Last evaluated: 2023-08-15. Review status: criteria provided, single submitter. Criteria: ARUP Molecular Germline Variant Investigation Process 2024. Collection method: clinical testing. Allele origin: germline.

Ambry Genetics
Classification: Likely benign. Last evaluated: 2022-02-02. Review status: criteria provided, single submitter. Criteria: Ambry Variant Classification Scheme 2023. Collection method: clinical testing. Allele origin: germline.

GeneDx
Classification: Likely benign. Last evaluated: 2021-05-28. Review status: criteria provided, single submitter. Criteria: GeneDx Variant Classification Process June 2021. Collection method: clinical testing. Allele origin: germline. Affected: yes.
Comment: This variant is associated with the following publications: (PMID: 32028661, 29520015, 28594869, 27582484)

Athena Diagnostics
Classification: Benign. Last evaluated: 2018-03-13. Review status: criteria provided, single submitter. Criteria: Athena Diagnostics Criteria. Collection method: clinical testing. Allele origin: germline.

Illumina Laboratory Services, Illumina
Classification: Benign for Distal Spinal Muscular Atrophy. Last evaluated: 2018-01-13. Review status: criteria provided, single submitter. Criteria: ICSL Variant Classification Criteria 13 December 2019. Collection method: clinical testing. Allele origin: germline.
Comment: This variant was observed in the ICSL laboratory as part of a predisposition screen in an ostensibly healthy population. It had not been previously curated by ICSL or reported in the Human Gene Mutation Database (HGMD: prior to June 1st, 2018), and was therefore a candidate for classification through an automated scoring system. Utilizing variant allele frequency, disease prevalence and penetrance estimates, and inheritance mode, an automated score was calculated to assess if this variant is too frequent to cause the disease. Based on the score and internal cut-off values, a variant classified as benign is not then subjected to further curation. The score for this variant resulted in a classification of benign for this disease.

Illumina Laboratory Services, Illumina
Classification: Benign for Distal hereditary motor neuronopathy type 5. Last evaluated: 2018-01-13. Review status: criteria provided, single submitter. Criteria: ICSL Variant Classification Criteria 13 December 2019. Collection method: clinical testing. Allele origin: germline.
Comment: the same text as in the submission from Illumina Laboratory Services, Illumina above.

Illumina Laboratory Services, Illumina
Classification: Benign for Charcot-Marie-Tooth disease type 2D. Last evaluated: 2018-01-13. Review status: criteria provided, single submitter. Criteria: ICSL Variant Classification Criteria 13 December 2019. Collection method: clinical testing. Allele origin: germline.
Comment: the same text as in the submission from Illumina Laboratory Services, Illumina above.

Eurofins Ntd Llc (ga)
Classification: Benign. Last evaluated: 2015-03-31. Review status: criteria provided, single submitter. Criteria: EGL Classification Definitions 2015. Collection method: clinical testing. Allele origin: germline. Observed: 1 variant allele, 1 heterozygote.

Breakthrough Genomics
Classification: Likely benign. Review status: criteria provided, single submitter. Criteria: ACMG Guidelines, 2015. Collection method: not provided. Allele origin: germline. Inheritance: Autosomal dominant inheritance. Affected: yes.

Molecular Genetics Laboratory, London Health Sciences Centre
Classification: Likely benign for Charcot-Marie-Tooth disease. Review status: criteria provided, single submitter. Criteria: ACMG Guidelines, 2015. Collection method: clinical testing. Allele origin: germline. Affected: yes.

PreventionGenetics, part of Exact Sciences
Classification: Likely benign for GARS1-related condition. Last evaluated: 2019-10-17. Review status: no assertion criteria provided. Collection method: clinical testing. Allele origin: germline. Not counted in ClinVar's aggregate classification.
Comment: This variant is classified as likely benign based on ACMG/AMP sequence variant interpretation guidelines (Richards et al. 2015 PMID: 25741868, with internal and published modifications).

Mayo Clinic Laboratories, Mayo Clinic
Classification: Likely benign. Last evaluated: 2016-03-11. Review status: no assertion criteria provided. Collection method: clinical testing. Allele origin: unknown. Not counted in ClinVar's aggregate classification.

Clinical Genetics DNA and cytogenetics Diagnostics Lab, Erasmus MC, Erasmus Medical Center
Classification: Likely benign. Review status: no assertion criteria provided. Collection method: clinical testing. Allele origin: germline. Affected: yes. Study: VKGL Data-share Consensus. Not counted in ClinVar's aggregate classification.

Clinical Genetics, Academic Medical Center
Classification: Benign. Review status: no assertion criteria provided. Collection method: clinical testing. Allele origin: germline. Affected: yes. Study: VKGL Data-share Consensus. Not counted in ClinVar's aggregate classification.

Diagnostic Laboratory, Department of Genetics, University Medical Center Groningen
Classification: Likely benign. Review status: no assertion criteria provided. Collection method: clinical testing. Allele origin: germline. Affected: yes. Study: VKGL Data-share Consensus. Not counted in ClinVar's aggregate classification.

Genome Diagnostics Laboratory, University Medical Center Utrecht
Classification: Likely benign. Review status: no assertion criteria provided. Collection method: clinical testing. Allele origin: germline. Affected: yes. Study: VKGL Data-share Consensus. Not counted in ClinVar's aggregate classification.

Literature cited by the submitters: PubMed 28594869 (cited by Athena Diagnostics); PubMed 27582484 (cited by Athena Diagnostics).

NM_002047.4(GARS1):c.803C>T (p.Thr268Ile)

Gene: GARS1 (glycyl-tRNA synthetase 1; plus strand). Cytogenetic location: 7p14.3.
Variant type: single nucleotide variant.
Coding change: c.803C>T on transcript NM_002047.4 (MANE Select); coding-DNA position 803, C replaced by T.
Protein change: p.Thr268Ile; replaces threonine 268 with isoleucine.
Molecular consequence: missense variant.
Genome position (GRCh38, 1-based): chr7:30,609,652, C>T. VCF-style: chr7-30609652-C-T. GRCh37 (hg19) VCF-style: chr7-30649268-C-T.
Other names: c.803C>T (LRG_243t1, NM_002047.3); c.641C>T, p.Thr214Ile (NM_001316772.1); short protein forms T268I, T214I.
Identifiers: ClinVar variation 188100 (VCV000188100.64), dbSNP rs2230310, ClinGen allele CA203472.